The following is an entry in ClinVar:

NM_032634.4(PIGO):c.1708G>A (p.Ala570Thr)

Gene: PIGO (phosphatidylinositol glycan anchor biosynthesis class O; minus strand). Cytogenetic location: 9p13.3.
Variant type: single nucleotide variant.
Coding change: c.1708G>A on transcript NM_032634.4 (MANE Select); coding-DNA position 1708, G replaced by A.
Protein change: p.Ala570Thr; replaces alanine 570 with threonine.
Molecular consequence: missense variant. On other transcripts: intron variant (2).
Genome position (GRCh38, 1-based): chr9:35,092,179, C>T on the plus strand (G>A on the coding strand, the complement: PIGO is on the minus strand). VCF-style: chr9-35092179-C-T. GRCh37 (hg19) VCF-style: chr9-35092176-C-T.
Other names: c.1344+364G>A (NM_152850.4, NM_001201484.2); short protein forms A570T.
Identifiers: ClinVar variation 647276 (VCV000647276.9), dbSNP rs767046819, ClinGen allele CA5040583.

ClinVar aggregate classification (germline): Uncertain significance. Review status: criteria provided, multiple submitters, no conflicts (2 of 4 stars). 2 submissions from 2 submitters: Uncertain significance (2). Last evaluated 2025-01-09.

Conditions:
Inborn genetic diseases. Identifiers: MedGen C0950123, MeSH D030342.
Hyperphosphatasia with impaired intellectual development syndrome 2. Also called: Hyperphosphatasia with intellectual disability syndrome 2; GLYCOSYLPHOSPHATIDYLINOSITOL BIOSYNTHESIS DEFECT 6. Identifiers: Orphanet 247262, MedGen C3553637, MONDO:0013882, OMIM 614749.

Allele frequency attached by ClinVar (database versions not stated): ExAC 0.00002; gnomAD 0.00001; gnomAD exomes 0.00003 and 0.00002; TOPMed 0.00001.
gnomAD v4.1: 11 of 1,614,068 alleles (0.00068%); highest among the groups gnomAD compares: Admixed American, 0.017%; 1 homozygote.

Submissions (2):

Ambry Genetics
Classification: Uncertain significance for Inborn genetic diseases. Last evaluated: 2025-01-09. Review status: criteria provided, single submitter. Criteria: Ambry Variant Classification Scheme 2023. Collection method: clinical testing. Allele origin: germline.

Labcorp Genetics (formerly Invitae), Labcorp
Classification: Uncertain significance for Hyperphosphatasia with impaired intellectual development syndrome 2. Last evaluated: 2022-07-19. Review status: criteria provided, single submitter. Criteria: Invitae Variant Classification Sherloc (09022015). Collection method: clinical testing. Allele origin: germline.
Comment: This sequence change replaces alanine, which is neutral and non-polar, with threonine, which is neutral and polar, at codon 570 of the PIGO protein (p.Ala570Thr). This variant is present in population databases (rs767046819, gnomAD 0.02%), including at least one homozygous and/or hemizygous individual. This variant has not been reported in the literature in individuals affected with PIGO-related conditions. ClinVar contains an entry for this variant (Variation ID: 647276). Algorithms developed to predict the effect of missense changes on protein structure and function are either unavailable or do not agree on the potential impact of this missense change (SIFT: "Tolerated"; PolyPhen-2: "Possibly Damaging"; Align-GVGD: "Class C0"). In summary, the available evidence is currently insufficient to determine the role of this variant in disease. Therefore, it has been classified as a Variant of Uncertain Significance.